The following is an entry in ClinVar:

ClinVar aggregate classification (germline): Uncertain significance (1 of 4 stars; one submission).

gnomAD v4.1: 1 of 1,506,300 alleles (0.000066%); highest among the groups gnomAD compares: South Asian, 0.0013%; no homozygotes.

Submission:

Ambry Genetics
Classification: Uncertain significance. Last evaluated: 2026-06-16. Review status: criteria provided, single submitter. Criteria: Ambry Variant Classification Scheme 2023. Collection method: clinical testing. Allele origin: germline.
Comment: The p.S618R variant (also known as c.1852A>C), located in coding exon 8 of the WNK2 gene, results from an A to C substitution at nucleotide position 1852. The serine at codon 618 is replaced by arginine, an amino acid with dissimilar properties. This amino acid position is conserved. In addition, the in silico prediction for this alteration is inconclusive. Based on the available evidence, the clinical significance of this variant remains unclear.

NM_006648.4(WNK2):c.1852A>C (p.Ser618Arg)

Gene: WNK2 (WNK lysine deficient protein kinase 2; plus strand). Cytogenetic location: 9q22.31.
Variant type: single nucleotide variant.
Coding change: c.1852A>C on transcript NM_006648.4 (MANE Select); coding-DNA position 1852, A replaced by C.
Protein change: p.Ser618Arg; replaces serine 618 with arginine.
Molecular consequence: missense variant.
Genome position (GRCh38, 1-based): chr9:93,252,900, A>C. VCF-style: chr9-93252900-A-C. GRCh37 (hg19) VCF-style: chr9-96015182-A-C.
Other names: c.1852A>C, p.Ser618Arg (NM_001282394.3); short protein forms S618R.
Identifiers: ClinVar variation 5031786 (VCV005031786.1).